The following is an entry in ClinVar:

ClinVar aggregate classification (germline): Uncertain significance (1 of 4 stars; one submission).

gnomAD v4.1: 15 of 1,613,496 alleles (0.00093%); highest among the groups gnomAD compares: Non-Finnish European, 0.0013%; no homozygotes.

Submission:

Labcorp Genetics (formerly Invitae), Labcorp
Classification: Uncertain significance. Last evaluated: 2025-06-02. Review status: criteria provided, single submitter. Criteria: Invitae Variant Classification Sherloc (09022015). Collection method: clinical testing. Allele origin: germline.
Comment: This sequence change falls in intron 13 of the DUOX2 gene. It does not directly change the encoded amino acid sequence of the DUOX2 protein. This variant is present in population databases (no rsID available, gnomAD 0.0009%). This variant has not been reported in the literature in individuals affected with DUOX2-related conditions. Algorithms developed to predict the effect of sequence changes on RNA splicing suggest that this variant may disrupt the consensus splice site. In summary, the available evidence is currently insufficient to determine the role of this variant in disease. Therefore, it has been classified as a Variant of Uncertain Significance.

NM_001363711.2(DUOX2):c.1575-6A>G

Gene: DUOX2 (dual oxidase 2; minus strand). Cytogenetic location: 15q21.1.
Variant type: single nucleotide variant.
Coding change: c.1575-6A>G on transcript NM_001363711.2 (MANE Select); 6 bases into the intron before coding-DNA position 1575, A replaced by G.
Molecular consequence: intron variant.
Genome position (GRCh38, 1-based): chr15:45,107,469, T>C on the plus strand (A>G on the coding strand, the complement: DUOX2 is on the minus strand). VCF-style: chr15-45107469-T-C. GRCh37 (hg19) VCF-style: chr15-45399667-T-C.
Other names: c.1575-6A>G (NM_014080.5).
Identifiers: ClinVar variation 4778112 (VCV004778112.1).
Genomic context (GRCh38, chr15:45,107,469, plus strand): 5'-CACGTCCCGCAGGGTGGTATTTCGGATGTCTTCAATCTCCTTCTTGGAGAACAGCCTAAG[T>C]TGGAGGAAGTAGAAGTCACTGGGATGGGAAGGGGATGCAGGCCTCCAGCAACCCCAGGCC-3'